The following is an entry in ClinVar:

NM_000222.3(KIT):c.1114A>G (p.Arg372Gly)

Gene: KIT (KIT proto-oncogene, receptor tyrosine kinase; plus strand). Cytogenetic location: 4q12.
Variant type: single nucleotide variant.
Coding change: c.1114A>G on transcript NM_000222.3 (MANE Select); coding-DNA position 1114, A replaced by G.
Protein change: p.Arg372Gly; replaces arginine 372 with glycine.
Molecular consequence: missense variant.
Genome position (GRCh38, 1-based): chr4:54,707,286, A>G. VCF-style: chr4-54707286-A-G. GRCh37 (hg19) VCF-style: chr4-55573452-A-G.
Other names: c.1114A>G, p.Arg372Gly (NM_001093772.2, NM_001385285.1, NM_001385286.1); c.1117A>G, p.Arg373Gly (NM_001385284.1, NM_001385288.1, NM_001385290.1 and 1 more transcripts); short protein forms R372G, R373G.
Identifiers: ClinVar variation 4858920 (VCV004858920.1).

ClinVar aggregate classification (germline): Uncertain significance (1 of 4 stars; one submission).

Conditions:
Hereditary cancer-predisposing syndrome. Also called: Neoplastic Syndromes, Hereditary; Tumor predisposition; Hereditary Cancer Syndrome; Hereditary neoplastic syndrome. Identifiers: Orphanet 140162, MedGen C0027672, MeSH D009386, MONDO:0015356.

Submission:

Ambry Genetics
Classification: Uncertain significance for Hereditary cancer-predisposing syndrome. Last evaluated: 2026-04-28. Review status: criteria provided, single submitter. Criteria: Ambry Variant Classification Scheme 2023. Collection method: clinical testing. Allele origin: germline.
Comment: The p.R372G variant (also known as c.1114A>G), located in coding exon 6 of the KIT gene, results from an A to G substitution at nucleotide position 1114. The arginine at codon 372 is replaced by glycine, an amino acid with dissimilar properties. This amino acid position is well conserved in available vertebrate species. In addition, the in silico prediction for this alteration is inconclusive. Based on the available evidence, the clinical significance of this variant remains unclear.